The following is an entry in ClinVar:

ClinVar aggregate classification (germline): Pathogenic/Likely pathogenic. Review status: criteria provided, multiple submitters, no conflicts (2 of 4 stars). 2 submissions from 2 submitters: Pathogenic (1); Likely pathogenic (1). Last evaluated 2025-12-11.

Conditions:
Alport syndrome. Also called: Hemorrhagic familial nephritis; Hemorrhagic hereditary nephritis; Congenital hereditary hematuria. Identifiers: Orphanet 63, MedGen C1567741, MONDO:0018965.
Autosomal recessive Alport syndrome (ATS2). Also called: Alport syndrome type 2; COL4A4 Alport Syndrome and Thin Basement Membrane Nephropathy; ALPORT SYNDROME 2, AUTOSOMAL RECESSIVE; COL4A3-Related Nephropathy. Identifiers: Orphanet 63, Orphanet 88919, MedGen C4746745, MONDO:0008762, OMIM 203780.

Submissions (3):

Medical and Scientific Branch, Hong Kong Genome Institute
Classification: Likely pathogenic for Autosomal recessive Alport syndrome. Last evaluated: 2025-12-11. Review status: criteria provided, single submitter. Criteria: ACMG Guidelines, 2015. Collection method: clinical testing. Allele origin: germline. Affected: yes.

Division of Nephrology, Li Ka Shing Institute of Health Sciences, Chinese University of Hong Kong
Classification: Pathogenic for Alport Syndrome. Last evaluated: 2025-10-11. Review status: criteria provided, single submitter. Criteria: ACMG Guidelines, 2015. Collection method: clinical testing. Allele origin: unknown. Affected: yes.
Comment: The c.1803+2T>C variant is predicted to disrupt the canonical splice donor site of COL4A4, and the mRNA is predicted to undergo nonsense-mediated mRNA decay. Loss-of-function is a known disease mechanism. The variant is absent from the control population in gnomAD v2.1.1 and v3.1.2. The variant is classified as likely pathogenic according to the ACMG guidelines (PVS1, PM2_Supporting).

Dr. Peter K. Rogan Lab, Western University
No classification provided (evidence only). Condition: Pancreatic adenocarcinoma. Review status: no classification provided. Collection method: in vitro. Allele origin: not applicable. Functional consequence: retained intron. Not counted in ClinVar's aggregate classification.

NM_000092.5(COL4A4):c.1803+2T>C

Gene: COL4A4 (collagen type IV alpha 4 chain; minus strand). Cytogenetic location: 2q36.3.
Variant type: single nucleotide variant.
Coding change: c.1803+2T>C on transcript NM_000092.5 (MANE Select); the canonical splice donor site of the intron after coding-DNA position 1803, T replaced by C.
Molecular consequence: splice donor variant.
Genome position (GRCh38, 1-based): chr2:227,080,441, A>G on the plus strand (T>C on the coding strand, the complement: COL4A4 is on the minus strand). VCF-style: chr2-227080441-A-G. GRCh37 (hg19) VCF-style: chr2-227945157-A-G.
Other names: NC_000002.11:g.227945157A>G.
Identifiers: ClinVar variation 4280676 (VCV004280676.3).